The following is an entry in ClinVar:

ClinVar aggregate classification (germline): Uncertain significance. Review status: criteria provided, multiple submitters, no conflicts (2 of 4 stars). 2 submissions from 2 submitters: Uncertain significance (2). Last evaluated 2025-04-13.

Conditions:
Hereditary breast ovarian cancer syndrome. Also called: Hereditary breast and ovarian cancer; Hereditary breast and ovarian cancer syndrome (HBOC); BRCA1- and BRCA2-Associated Hereditary Breast and Ovarian Cancer; Hereditary breast and ovarian cancer syndrome; Hereditary breast and/or ovarian cancer syndrome; Breast and ovarian cancer. Identifiers: Orphanet 145, MedGen C0677776, MeSH D061325, MONDO:0003582. Disease mechanism: loss of function.
Hereditary cancer-predisposing syndrome. Also called: Hereditary Cancer Syndrome; Tumor predisposition; Hereditary neoplastic syndrome; Neoplastic Syndromes, Hereditary. Identifiers: Orphanet 140162, MedGen C0027672, MeSH D009386, MONDO:0015356.

gnomAD v4.1: 3 of 1,613,726 alleles (0.00019%); highest among the groups gnomAD compares: Non-Finnish European, 0.00025%; no homozygotes.

Submissions (2):

Labcorp Genetics (formerly Invitae), Labcorp
Classification: Uncertain significance for Hereditary breast ovarian cancer syndrome. Last evaluated: 2025-04-13. Review status: criteria provided, single submitter. Criteria: Invitae Variant Classification Sherloc (09022015). Collection method: clinical testing. Allele origin: germline.
Comment: This sequence change replaces leucine, which is neutral and non-polar, with phenylalanine, which is neutral and non-polar, at codon 726 of the BRCA1 protein (p.Leu726Phe). This variant is not present in population databases (gnomAD no frequency). This variant has not been reported in the literature in individuals affected with BRCA1-related conditions. ClinVar contains an entry for this variant (Variation ID: 3261482). Invitae Evidence Modeling of protein sequence and biophysical properties (such as structural, functional, and spatial information, amino acid conservation, physicochemical variation, residue mobility, and thermodynamic stability) indicates that this missense variant is not expected to disrupt BRCA1 protein function with a negative predictive value of 80%. In summary, the available evidence is currently insufficient to determine the role of this variant in disease. Therefore, it has been classified as a Variant of Uncertain Significance.

Ambry Genetics
Classification: Uncertain significance for Hereditary cancer-predisposing syndrome. Last evaluated: 2024-05-08. Review status: criteria provided, single submitter. Criteria: Ambry Variant Classification Scheme 2023. Collection method: clinical testing. Allele origin: germline.
Comment: The p.L726F variant (also known as c.2176C>T), located in coding exon 9 of the BRCA1 gene, results from a C to T substitution at nucleotide position 2176. The leucine at codon 726 is replaced by phenylalanine, an amino acid with highly similar properties. This amino acid position is not well conserved in available vertebrate species. In addition, the in silico prediction for this alteration is inconclusive. Based on the available evidence, the clinical significance of this variant remains unclear.

NM_007294.4(BRCA1):c.2176C>T (p.Leu726Phe)

Gene: BRCA1 (BRCA1 DNA repair associated; minus strand). Cytogenetic location: 17q21.31.
Variant type: single nucleotide variant.
Coding change: c.2176C>T on transcript NM_007294.4 (MANE Select); coding-DNA position 2176, C replaced by T.
Protein change: p.Leu726Phe; replaces leucine 726 with phenylalanine.
Molecular consequence: missense variant. On other transcripts: intron variant (137).
Genome position (GRCh38, 1-based): chr17:43,093,355, G>A on the plus strand (C>T on the coding strand, the complement: BRCA1 is on the minus strand). VCF-style: chr17-43093355-G-A. GRCh37 (hg19) VCF-style: chr17-41245372-G-A.
Other names: c.2050C>T, p.Leu684Phe (NM_001407687.1, NM_001407688.1, NM_001407689.1 and 11 more transcripts); c.643+1389C>T (NM_001408462.1, NM_001408470.1, NM_001408464.1 and 3 more transcripts); c.709+1389C>T (NM_001408414.1, NM_001408411.1, NM_001408412.1 and 2 more transcripts); c.2035C>T, p.Leu679Phe (NM_001407692.1, NM_001407694.1, NM_001407695.1 and 29 more transcripts); c.577+1389C>T (NM_001408514.1, NM_001408485.1, NM_001408481.1 and 9 more transcripts); c.661+1389C>T (NM_001408447.1, NM_001408433.1, NM_001408446.1 and 6 more transcripts); c.784+1389C>T (NM_001408400.1, NM_001408392.1, NM_001407986.1 and 13 more transcripts); c.2098C>T, p.Leu700Phe (NM_001407655.1, NM_001407656.1, NM_001407657.1 and 4 more transcripts); and 41 more; short protein forms L598F, L656F, L699F, L700F, L725F, L430F, L599F, L614F.
Identifiers: ClinVar variation 3261482 (VCV003261482.3).